The following is an entry in ClinVar:

NM_032575.3(GLIS2):c.1479C>T (p.Gly493=)

Gene: GLIS2 (GLIS family zinc finger 2; plus strand). Cytogenetic location: 16p13.3.
Variant type: single nucleotide variant.
Coding change: c.1479C>T on transcript NM_032575.3 (MANE Select); coding-DNA position 1479, C replaced by T.
Protein change: p.Gly493=; no amino-acid change (glycine 493 retained).
Molecular consequence: synonymous variant.
Genome position (GRCh38, 1-based): chr16:4,337,428, C>T. VCF-style: chr16-4337428-C-T. GRCh37 (hg19) VCF-style: chr16-4387429-C-T.
Other names: c.1479C>T, p.Gly493= (NM_001318918.2).
Identifiers: ClinVar variation 3032655 (VCV003032655.4), dbSNP rs373227853, ClinGen allele CA7873279.

ClinVar aggregate classification (germline): Likely benign. Review status: criteria provided, single submitter (1 of 4 stars). 2 submissions from 2 submitters: Likely benign (1). 1 of the submissions does not count toward it. Last evaluated 2024-07-19.

Conditions:
GLIS2-related disorder. Also called: GLIS2-related condition.
Nephronophthisis. Also called: Juvenile Nephronophthisis. Identifiers: Orphanet 655, MedGen C0687120, MONDO:0019005, HP:0000090.

Allele frequency attached by ClinVar (database versions not stated): TOPMed 0.00005; ESP Exome Variant Server 0.00008; ExAC 0.00009.
gnomAD v4.1: 110 of 1,583,994 alleles (0.0069%); highest among the groups gnomAD compares: Non-Finnish European, 0.0092%; no homozygotes.

Submissions (2):

Labcorp Genetics (formerly Invitae), Labcorp
Classification: Likely benign for Nephronophthisis. Last evaluated: 2024-07-19. Review status: criteria provided, single submitter. Criteria: Invitae Variant Classification Sherloc (09022015). Collection method: clinical testing. Allele origin: germline.

PreventionGenetics, part of Exact Sciences
Classification: Likely benign for GLIS2-related condition. Last evaluated: 2020-10-19. Review status: no assertion criteria provided. Collection method: clinical testing. Allele origin: germline. Not counted in ClinVar's aggregate classification.
Comment: This variant is classified as likely benign based on ACMG/AMP sequence variant interpretation guidelines (Richards et al. 2015 PMID: 25741868, with internal and published modifications).